The following is an entry in ClinVar:

NM_000535.7(PMS2):c.1981G>T (p.Glu661Ter)

Gene: PMS2 (PMS1 homolog 2, mismatch repair system component; minus strand). Cytogenetic location: 7p22.1.
Variant type: single nucleotide variant.
Coding change: c.1981G>T on transcript NM_000535.7 (MANE Select); coding-DNA position 1981, G replaced by T.
Protein change: p.Glu661Ter; replaces glutamic acid 661 with a stop codon.
Molecular consequence: nonsense. On other transcripts: non-coding transcript variant (1).
Genome position (GRCh38, 1-based): chr7:5,986,784, C>A on the plus strand (G>T on the coding strand, the complement: PMS2 is on the minus strand). VCF-style: chr7-5986784-C-A. GRCh37 (hg19) VCF-style: chr7-6026415-C-A.
Other names: c.1576G>T, p.Glu526Ter (NM_001322003.2, NM_001322004.2, NM_001322005.2 and 1 more transcripts); c.1825G>T, p.Glu609Ter (NM_001322006.2); c.1663G>T, p.Glu555Ter (NM_001322007.2, NM_001322008.2); c.1420G>T, p.Glu474Ter (NM_001322010.2); c.1048G>T, p.Glu350Ter (NM_001322011.2, NM_001322012.2); c.1408G>T, p.Glu470Ter (NM_001322013.2); c.1981G>T, p.Glu661Ter (NM_001322014.2); c.1672G>T, p.Glu558Ter (NM_001322015.2); short protein forms E661*, E350*, E474*, E609*, E470*, E526*, E558*, E555*.
Identifiers: ClinVar variation 185743 (VCV000185743.20), dbSNP rs778531080, ClinGen allele CA010597.

ClinVar aggregate classification (germline): Pathogenic. Review status: criteria provided, multiple submitters, no conflicts (2 of 4 stars). 6 submissions from 6 submitters: Pathogenic (6). Last evaluated 2025-10-19.

Conditions:
Hereditary nonpolyposis colon cancer (HNPCC). Also called: Hereditary nonpolyposis colorectal cancer; Familial nonpolyposis colon cancer; Hereditary Nonpolyposis Colorectal Cancer Syndrome. Identifiers: Orphanet 443909, MedGen C1333990, MONDO:0018630. Disease mechanism: loss of function.
Hereditary nonpolyposis colorectal neoplasms. Identifiers: MedGen C0009405, MeSH D003123.
Hereditary cancer-predisposing syndrome. Also called: Hereditary neoplastic syndrome; Neoplastic Syndromes, Hereditary; Tumor predisposition; Hereditary Cancer Syndrome. Identifiers: Orphanet 140162, MedGen C0027672, MeSH D009386, MONDO:0015356.
Lynch syndrome 4 (LYNCH4). Also called: Hereditary non-polyposis colorectal cancer, type 4; Colorectal cancer, hereditary nonpolyposis, type 4. Identifiers: Orphanet 144, MedGen C1838333, MONDO:0013699, OMIM 614337. Disease mechanism: loss of function.

Submissions (6):

Labcorp Genetics (formerly Invitae), Labcorp
Classification: Pathogenic for Hereditary nonpolyposis colorectal neoplasms. Last evaluated: 2025-10-19. Review status: criteria provided, single submitter. Criteria: Invitae Variant Classification Sherloc (09022015). Collection method: clinical testing. Allele origin: germline.
Comment: This sequence change creates a premature translational stop signal (p.Glu661*) in the PMS2 gene. It is expected to result in an absent or disrupted protein product. Loss-of-function variants in PMS2 are known to be pathogenic (PMID: 21376568, 24362816). This variant is not present in population databases (gnomAD no frequency). This premature translational stop signal has been observed in individual(s) with colorectal cancer (PMID: 20205264, 22295133, 28514183). ClinVar contains an entry for this variant (Variation ID: 185743). For these reasons, this variant has been classified as Pathogenic.

Women's Health and Genetics/Laboratory Corporation of America, LabCorp
Classification: Pathogenic for Hereditary nonpolyposis colon cancer. Last evaluated: 2025-09-19. Review status: criteria provided, single submitter. Criteria: LabCorp Variant Classification Summary - May 2015. Collection method: clinical testing. Allele origin: germline.
Comment: Variant summary: PMS2 c.1981G>T (p.Glu661X) results in a premature termination codon, predicted to cause a truncation of the encoded protein or absence of the protein due to nonsense mediated decay, which are commonly known mechanisms for disease. The variant was absent in 246208 control chromosomes. c.1981G>T has been observed in at least one individual affected with Lynch Syndrome (Vaughn_2010). To our knowledge, no experimental evidence demonstrating an impact on protein function has been reported. The following publication have been ascertained in the context of this evaluation (PMID: 20205264). ClinVar contains an entry for this variant (Variation ID: 185743). Based on the evidence outlined above, the variant was classified as pathogenic.

Ambry Genetics
Classification: Pathogenic for Hereditary cancer-predisposing syndrome. Last evaluated: 2025-03-31. Review status: criteria provided, single submitter. Criteria: Ambry Variant Classification Scheme 2023. Collection method: clinical testing. Allele origin: germline.
Comment: The p.E661* pathogenic mutation (also known as c.1981G>T), located in coding exon 11 of the PMS2 gene, results from a G to T substitution at nucleotide position 1981. This changes the amino acid from a glutamic acid to a stop codon within coding exon 11. This mutation was observed in two individuals diagnosed with colon cancer in their 30s, tumor studies for both individuals showed isolated loss of PMS2 protein on IHC, and one of the tumors was also found to be MSI-High (Gulati, S et al. Gastrointest Cancer Res. 2011 Sep;4(5-6):188-90)(Vaughn, CP et al. Hum Mutat. 2010 May;31(5):588-93). This variant is considered to be rare based on population cohorts in the Genome Aggregation Database (gnomAD). In addition to the clinical data presented in the literature, this alteration is expected to result in loss of function by premature protein truncation or nonsense-mediated mRNA decay. As such, this alteration is interpreted as a disease-causing mutation.

GeneDx
Classification: Pathogenic. Last evaluated: 2024-03-18. Review status: criteria provided, single submitter. Criteria: GeneDx Variant Classification Process June 2021. Collection method: clinical testing. Allele origin: germline. Affected: yes.
Comment: Nonsense variant predicted to result in protein truncation or nonsense mediated decay in a gene for which loss of function is a known mechanism of disease; Not observed at significant frequency in large population cohorts (gnomAD); Truncating variants in this gene are considered pathogenic by a well-established clinical consortium and/or database; This variant is associated with the following publications: (PMID: 24362816, 21376568, 28514183, 20205264, 22295133, 25691505)

Myriad Genetics, Inc.
Classification: Pathogenic for Lynch syndrome 4. Last evaluated: 2023-09-21. Review status: criteria provided, single submitter. Criteria: Myriad Autosomal Dominant, Autosomal Recessive and X-Linked Classification Criteria (2023). Collection method: clinical testing. Allele origin: unknown.
Comment: This variant is considered pathogenic. This variant creates a termination codon and is predicted to result in premature protein truncation.

Baylor Genetics
Classification: Pathogenic for Lynch syndrome 4. Last evaluated: 2022-04-14. Review status: criteria provided, single submitter. Criteria: ACMG Guidelines, 2015. Collection method: clinical testing. Allele origin: unknown.

Literature cited by the submitters: PubMed 21376568 (cited by Labcorp Genetics (formerly Invitae), Labcorp); PubMed 24362816 (cited by Labcorp Genetics (formerly Invitae), Labcorp); PubMed 20205264 (cited by Labcorp Genetics (formerly Invitae), Labcorp and Women's Health and Genetics/Laboratory Corporation of America, LabCorp); PubMed 22295133 (cited by Labcorp Genetics (formerly Invitae), Labcorp); PubMed 28514183 (cited by Labcorp Genetics (formerly Invitae), Labcorp); PubMed 25691505 (cited by Ambry Genetics).